The following is an entry in ClinVar:

ClinVar aggregate classification (germline): Uncertain significance (1 of 4 stars; one submission).

Submissions (2):

GeneDx
Classification: Uncertain significance. Last evaluated: 2025-03-24. Review status: criteria provided, single submitter. Criteria: GeneDx Variant Classification Process June 2021. Collection method: clinical testing. Allele origin: germline. Affected: yes.
Comment: Not observed at significant frequency in large population cohorts (gnomAD); In silico analysis indicates that this missense variant does not alter protein structure/function; Has not been previously published as pathogenic or benign to our knowledge

Dr. Peter K. Rogan Lab, Western University
No classification provided (evidence only). Condition: Squamous cell carcinoma of the head and neck. Review status: no classification provided. Collection method: in vitro. Allele origin: not applicable. Functional consequence: retained intron. Not counted in ClinVar's aggregate classification.

NM_012281.3(KCND2):c.8C>T (p.Ala3Val)

Gene: KCND2 (potassium voltage-gated channel subfamily D member 2; plus strand). Cytogenetic location: 7q31.31.
Variant type: single nucleotide variant.
Coding change: c.8C>T on transcript NM_012281.3 (MANE Select); coding-DNA position 8, C replaced by T.
Protein change: p.Ala3Val; replaces alanine 3 with valine.
Molecular consequence: missense variant.
Genome position (GRCh38, 1-based): chr7:120,274,640, C>T. VCF-style: chr7-120274640-C-T. GRCh37 (hg19) VCF-style: chr7-119914694-C-T.
Other names: NC_000007.13:g.119914694C>T; short protein forms A3V.
Identifiers: ClinVar variation 4087959 (VCV004087959.2).